The following is an entry in ClinVar:

NM_001905.4(CTPS1):c.221A>G (p.Tyr74Cys)

Gene: CTPS1 (CTP synthase 1; plus strand). Cytogenetic location: 1p34.2.
Variant type: single nucleotide variant.
Coding change: c.221A>G on transcript NM_001905.4 (MANE Select); coding-DNA position 221, A replaced by G.
Protein change: p.Tyr74Cys; replaces tyrosine 74 with cysteine.
Molecular consequence: missense variant. On other transcripts: non-coding transcript variant (1).
Genome position (GRCh38, 1-based): chr1:40,984,875, A>G. VCF-style: chr1-40984875-A-G. GRCh37 (hg19) VCF-style: chr1-41450547-A-G.
Other names: short protein forms Y74C.
Identifiers: ClinVar variation 567100 (VCV000567100.9), dbSNP rs751260098, ClinGen allele CA795186.

ClinVar aggregate classification (germline): Uncertain significance (1 of 4 stars; one submission).

Conditions:
Combined immunodeficiency due to CTPS1 deficiency. Also called: Immunodeficiency 24; Severe combined immunodeficiency due to CTPS1 deficiency. Identifiers: Orphanet 420573, MedGen C4014617, MONDO:0014391, OMIM 615897.

Allele frequency attached by ClinVar (database versions not stated): gnomAD 0.00001; gnomAD exomes 0.00001; ExAC 0.00002.
gnomAD v4.1: 4 of 1,602,680 alleles (0.00025%); highest among the groups gnomAD compares: Admixed American, 0.0017%; no homozygotes.

Submission:

Labcorp Genetics (formerly Invitae), Labcorp
Classification: Uncertain significance for Combined immunodeficiency due to CTPS1 deficiency. Last evaluated: 2025-01-27. Review status: criteria provided, single submitter. Criteria: Invitae Variant Classification Sherloc (09022015). Collection method: clinical testing. Allele origin: germline.
Comment: This sequence change replaces tyrosine, which is neutral and polar, with cysteine, which is neutral and slightly polar, at codon 74 of the CTPS1 protein (p.Tyr74Cys). This variant is present in population databases (rs751260098, gnomAD 0.002%). This variant has not been reported in the literature in individuals affected with CTPS1-related conditions. ClinVar contains an entry for this variant (Variation ID: 567100). An algorithm developed to predict the effect of missense changes on protein structure and function (PolyPhen-2) suggests that this variant is likely to be disruptive. In summary, the available evidence is currently insufficient to determine the role of this variant in disease. Therefore, it has been classified as a Variant of Uncertain Significance.